The following is an entry in ClinVar:

ClinVar aggregate classification (germline): Likely pathogenic. Review status: no assertion criteria provided (0 of 4 stars). 2 submissions from 2 submitters: Likely pathogenic (2). Last evaluated 2024-06-30.

Conditions:
BBS1-related disorder. Also called: BBS1-related condition.
Bardet-Biedl syndrome 1 (BBS1). Identifiers: MedGen C2936862, MONDO:0008854, OMIM 209900. Disease mechanism: loss of function.

Allele frequency attached by ClinVar (database versions not stated): TOPMed below 0.00001; gnomAD 0.00001; gnomAD exomes below 0.00001.
gnomAD v4.1: 3 of 1,613,078 alleles (0.00019%); highest among the groups gnomAD compares: Middle Eastern, 0.016%; no homozygotes.

Submissions (2):

PreventionGenetics, part of Exact Sciences
Classification: Likely pathogenic for BBS1-related condition. Last evaluated: 2024-06-30. Review status: no assertion criteria provided. Collection method: clinical testing. Allele origin: germline.
Comment: The BBS1 c.830+2T>C variant is predicted to disrupt the GT donor site and interfere with normal splicing. This variant was reported in the homozygous state in an individual with suspected autosomal recessive polycystic kidney disease (Monies et al 2019. PubMed ID: 31130284). This variant has not been reported in a large population database, indicating this variant is rare. Variants that disrupt the consensus splice donor site in BBS1 are expected to be pathogenic. This variant is interpreted as likely pathogenic.

Genomic Medicine Center of Excellence, King Faisal Specialist Hospital and Research Centre
Classification: Likely pathogenic for Bardet-Biedl syndrome 1. Review status: no assertion criteria provided. Collection method: research. Allele origin: germline. Affected: yes.

NM_024649.5(BBS1):c.830+2T>C

Genes: BBS1 (Bardet-Biedl syndrome 1; plus strand), ZDHHC24 (zDHHC palmitoyltransferase 24; minus strand). Cytogenetic location: 11q13.2.
Variant type: single nucleotide variant.
Coding change: c.830+2T>C on transcript NM_024649.5 (MANE Select); the canonical splice donor site of the intron after coding-DNA position 830, T replaced by C.
Molecular consequence: splice donor variant. On other transcripts: 3 prime UTR variant (1).
Genome position (GRCh38, 1-based): chr11:66,521,378, T>C. VCF-style: chr11-66521378-T-C. GRCh37 (hg19) VCF-style: chr11-66288849-T-C.
Other names: c.830+2T>C (NM_024649.4); c.*110A>G (NM_001348571.2).
Identifiers: ClinVar variation 917918 (VCV000917918.4), dbSNP rs1856209722, ClinGen allele CA381459668.